The following is an entry in ClinVar:

ClinVar aggregate classification (germline): Uncertain significance (1 of 4 stars; one submission).

Conditions:
Familial cancer of breast. Also called: Hereditary breast cancer; BREAST CANCER, FAMILIAL; hereditary breast carcinoma. Identifiers: Orphanet 227535, MedGen C0346153, MONDO:0016419, OMIM 114480. Disease mechanism: loss of function.

Submission:

Labcorp Genetics (formerly Invitae), Labcorp
Classification: Uncertain significance for Familial cancer of breast. Last evaluated: 2020-04-27. Review status: criteria provided, single submitter. Criteria: Invitae Variant Classification Sherloc (09022015). Collection method: clinical testing. Allele origin: germline.
Comment: This sequence change replaces lysine with glutamine at codon 18 of the PALB2 protein (p.Lys18Gln). The lysine residue is moderately conserved and there is a small physicochemical difference between lysine and glutamine. This variant is not present in population databases (ExAC no frequency). This variant has not been reported in the literature in individuals with PALB2-related conditions. Algorithms developed to predict the effect of missense changes on protein structure and function are either unavailable or do not agree on the potential impact of this missense change (SIFT: "Tolerated"; PolyPhen-2: "Probably Damaging"; Align-GVGD: "Class C0"). Algorithms developed to predict the effect of sequence changes on RNA splicing suggest that this variant may create or strengthen a splice site, but this prediction has not been confirmed by published transcriptional studies. In summary, the available evidence is currently insufficient to determine the role of this variant in disease. Therefore, it has been classified as a Variant of Uncertain Significance.

NM_024675.4(PALB2):c.52A>C (p.Lys18Gln)

Gene: PALB2 (partner and localizer of BRCA2; minus strand). Cytogenetic location: 16p12.2.
Variant type: single nucleotide variant.
Coding change: c.52A>C on transcript NM_024675.4 (MANE Select); coding-DNA position 52, A replaced by C.
Protein change: p.Lys18Gln; replaces lysine 18 with glutamine.
Molecular consequence: missense variant.
Genome position (GRCh38, 1-based): chr16:23,638,126, T>G on the plus strand (A>C on the coding strand, the complement: PALB2 is on the minus strand). VCF-style: chr16-23638126-T-G. GRCh37 (hg19) VCF-style: chr16-23649447-T-G.
Other names: short protein forms K18Q.
Identifiers: ClinVar variation 1060687 (VCV001060687.10), dbSNP rs2142461206, ClinGen allele CA395140005.